The following is an entry in ClinVar:

ClinVar aggregate classification (germline): Uncertain significance (1 of 4 stars; one submission).

Conditions:
EP300-related disorder. Also called: EP300-related condition; EP300-related disorders.

gnomAD v4.1: 1 of 1,614,050 alleles (0.000062%); highest among the groups gnomAD compares: African/African-American, 0.0013%; no homozygotes.

Submission:

PreventionGenetics, part of Exact Sciences
Classification: Uncertain significance for EP300-related condition. Last evaluated: 2025-12-06. Review status: criteria provided, single submitter. Criteria: ACMG Guidelines, 2015. Collection method: clinical testing. Allele origin: germline.
Comment: The EP300 c.6590C>T variant is predicted to result in the amino acid substitution p.Ala2197Val. To our knowledge, this variant has not been reported in the literature. This variant is reported in 0.0062% of alleles in individuals of African descent in gnomAD. At this time, the clinical significance of this variant is uncertain due to the absence of conclusive functional and genetic evidence.

NM_001429.4(EP300):c.6590C>T (p.Ala2197Val)

Gene: EP300 (EP300 lysine acetyltransferase; plus strand). Cytogenetic location: 22q13.2.
Variant type: single nucleotide variant.
Coding change: c.6590C>T on transcript NM_001429.4 (MANE Select); coding-DNA position 6590, C replaced by T.
Protein change: p.Ala2197Val; replaces alanine 2197 with valine.
Molecular consequence: missense variant.
Genome position (GRCh38, 1-based): chr22:41,178,301, C>T. VCF-style: chr22-41178301-C-T. GRCh37 (hg19) VCF-style: chr22-41574305-C-T.
Other names: c.6512C>T, p.Ala2171Val (NM_001362843.2); short protein forms A2171V, A2197V.
Identifiers: ClinVar variation 4985573 (VCV004985573.1).
Genomic context (GRCh38, chr22:41,178,301, plus strand): 5'-CACAATTCCGAGACATCTTGAGACGACAGCAAATGATGCAACAGCAGCAGCAACAGGGAG[C>T]AGGGCCAGGAATAGGCCCTGGAATGGCCAACCATAACCAGTTCCAGCAACCCCAAGGAGT-3'
Protein context (NP_001420.2, residues 2187-2207): QMMQQQQQQG[Ala2197Val]GPGIGPGMAN